The following is an entry in ClinVar:

ClinVar aggregate classification (germline): Uncertain significance (1 of 4 stars; one submission).

Conditions:
MHC class I deficiency. Identifiers: Orphanet 34592, MedGen C6024714, MONDO:0011476.

Allele frequency attached by ClinVar (database versions not stated): gnomAD exomes below 0.00001.
gnomAD v4.1: 1 of 1,613,074 alleles (0.000062%); highest among the groups gnomAD compares: Non-Finnish European, 0.000085%; no homozygotes.

Submission:

Labcorp Genetics (formerly Invitae), Labcorp
Classification: Uncertain significance for MHC class I deficiency 1. Last evaluated: 2022-08-09. Review status: criteria provided, single submitter. Criteria: Invitae Variant Classification Sherloc (09022015). Collection method: clinical testing. Allele origin: germline.
Comment: In summary, the available evidence is currently insufficient to determine the role of this variant in disease. Therefore, it has been classified as a Variant of Uncertain Significance. Algorithms developed to predict the effect of missense changes on protein structure and function are either unavailable or do not agree on the potential impact of this missense change (SIFT: "Deleterious"; PolyPhen-2: "Possibly Damaging"; Align-GVGD: "Class C0"). ClinVar contains an entry for this variant (Variation ID: 1473389). This variant has not been reported in the literature in individuals affected with TAP1-related conditions. This variant is not present in population databases (gnomAD no frequency). This sequence change replaces isoleucine, which is neutral and non-polar, with methionine, which is neutral and non-polar, at codon 264 of the TAP1 protein (p.Ile264Met).

NM_000593.6(TAP1):c.612T>G (p.Ile204Met)

Gene: TAP1 (transporter 1, ATP binding cassette subfamily B member; minus strand). Cytogenetic location: 6p21.32.
Variant type: single nucleotide variant.
Coding change: c.612T>G on transcript NM_000593.6 (MANE Select); coding-DNA position 612, T replaced by G.
Protein change: p.Ile204Met; replaces isoleucine 204 with methionine.
Molecular consequence: missense variant.
Genome position (GRCh38, 1-based): chr6:32,852,489, A>C on the plus strand (T>G on the coding strand, the complement: TAP1 is on the minus strand). VCF-style: chr6-32852489-A-C. GRCh37 (hg19) VCF-style: chr6-32820266-A-C.
Other names: c.9T>G, p.Ile3Met (NM_001292022.2); short protein forms I204M, I3M.
Identifiers: ClinVar variation 1473389 (VCV001473389.6), dbSNP rs2127392817, ClinGen allele CA363581704.
Genomic context (GRCh38, chr6:32,852,489, plus strand): 5'-GAAGGTATCGGCTGAGCCATCTTGTAGAATCCAGTCAGTGAGGCGGCCCGTAAAGAATGG[A>C]ATGGCCATCTCCCCTGGAGAAAGAGAAGAGAGGTCACGCACAAATATTAAGTCTAAGTAG-3'
Protein context (NP_000584.3, residues 194-214): VVLSSLGEMA[Ile204Met]PFFTGRLTDW